The following is an entry in ClinVar:

NM_001101362.3(KBTBD13):c.355C>G (p.Arg119Gly)

Gene: KBTBD13 (kelch repeat and BTB domain containing 13; plus strand). Cytogenetic location: 15q22.31.
Variant type: single nucleotide variant.
Coding change: c.355C>G on transcript NM_001101362.3 (MANE Select); coding-DNA position 355, C replaced by G.
Protein change: p.Arg119Gly; replaces arginine 119 with glycine.
Molecular consequence: missense variant.
Genome position (GRCh38, 1-based): chr15:65,077,170, C>G. VCF-style: chr15-65077170-C-G. GRCh37 (hg19) VCF-style: chr15-65369508-C-G.
Other names: short protein forms R119G.
Identifiers: ClinVar variation 1487456 (VCV001487456.6), dbSNP rs1222805926, ClinGen allele CA392860080.

ClinVar aggregate classification (germline): Uncertain significance (1 of 4 stars; one submission).

Conditions:
Nemaline myopathy 6 (NEM6). Also called: Nemaline myopathy 6, autosomal dominant. Identifiers: Orphanet 171439, MedGen C1836472, MONDO:0012237, OMIM 609273.

Submission:

Labcorp Genetics (formerly Invitae), Labcorp
Classification: Uncertain significance for Nemaline myopathy 6. Last evaluated: 2021-11-07. Review status: criteria provided, single submitter. Criteria: Invitae Variant Classification Sherloc (09022015). Collection method: clinical testing. Allele origin: germline.
Comment: This sequence change replaces arginine, which is basic and polar, with glycine, which is neutral and non-polar, at codon 119 of the KBTBD13 protein (p.Arg119Gly). This variant is not present in population databases (gnomAD no frequency). This variant has not been reported in the literature in individuals affected with KBTBD13-related conditions. Algorithms developed to predict the effect of missense changes on protein structure and function output the following: SIFT: "Tolerated"; PolyPhen-2: "Benign"; Align-GVGD: "Class C0". The glycine amino acid residue is found in multiple mammalian species, which suggests that this missense change does not adversely affect protein function. In summary, the available evidence is currently insufficient to determine the role of this variant in disease. Therefore, it has been classified as a Variant of Uncertain Significance.